The following is an entry in ClinVar:

NM_000038.6(APC):c.6942G>A (p.Gln2314=)

Gene: APC (APC regulator of Wnt signaling pathway; plus strand). Cytogenetic location: 5q22.2.
Variant type: single nucleotide variant.
Coding change: c.6942G>A on transcript NM_000038.6 (MANE Select); coding-DNA position 6942, G replaced by A.
Protein change: p.Gln2314=; no amino-acid change (glutamine 2314 retained).
Molecular consequence: synonymous variant.
Genome position (GRCh38, 1-based): chr5:112,842,536, G>A. VCF-style: chr5-112842536-G-A. GRCh37 (hg19) VCF-style: chr5-112178233-G-A.
Other names: c.6942G>A, p.Gln2314= (NM_001127510.3, NM_001354895.2); c.6888G>A, p.Gln2296= (NM_001127511.3); c.6996G>A, p.Gln2332= (NM_001354896.2); c.6972G>A, p.Gln2324= (NM_001354897.2); c.6867G>A, p.Gln2289= (NM_001354898.2); c.6858G>A, p.Gln2286= (NM_001354899.2); c.6819G>A, p.Gln2273= (NM_001354900.2); c.6765G>A, p.Gln2255= (NM_001354901.2); and 5 more.
Identifiers: ClinVar variation 187423 (VCV000187423.17), dbSNP rs786203722, ClinGen allele CA012674.
Genomic context (GRCh38, chr5:112,842,536, plus strand): 5'-GTCAAGTAAAGCACCTTCTAGATCAGGATCTAGAGATTCGACCCCTTCAAGACCTGCCCA[G>A]CAACCATTAAGTAGACCTATACAGTCTCCTGGCCGAAACTCAATTTCCCCTGGTAGAAAT-3'
Protein context (NP_000029.2, residues 2304-2324): SRDSTPSRPA[Gln2314=]QPLSRPIQSP

ClinVar aggregate classification (germline): Benign/Likely benign. Review status: criteria provided, multiple submitters, no conflicts (2 of 4 stars). 4 submissions from 4 submitters: Benign (1); Likely benign (3). Last evaluated 2024-04-08.

Conditions:
Hereditary cancer-predisposing syndrome. Also called: Tumor predisposition; Neoplastic Syndromes, Hereditary; Hereditary neoplastic syndrome; Hereditary Cancer Syndrome. Identifiers: Orphanet 140162, MedGen C0027672, MeSH D009386, MONDO:0015356.
Familial adenomatous polyposis 1 (FAP1). Also called: FAMILIAL ADENOMATOUS POLYPOSIS 1, ATTENUATED; POLYPOSIS, ADENOMATOUS INTESTINAL. Identifiers: MedGen C2713442, MONDO:0021056, OMIM 175100. Disease mechanism: loss of function.

Submissions (4):

Myriad Genetics, Inc.
Classification: Benign for Familial adenomatous polyposis 1. Last evaluated: 2024-04-08. Review status: criteria provided, single submitter. Criteria: Myriad Autosomal Dominant, Autosomal Recessive and X-Linked Classification Criteria (2023). Collection method: clinical testing. Allele origin: unknown.
Comment: This variant is considered benign. This variant is a silent/synonymous amino acid change and it is not expected to impact splicing.

Labcorp Genetics (formerly Invitae), Labcorp
Classification: Likely benign for Familial adenomatous polyposis 1. Last evaluated: 2023-10-16. Review status: criteria provided, single submitter. Criteria: Invitae Variant Classification Sherloc (09022015). Collection method: clinical testing. Allele origin: germline.

Blueprint Genetics
Classification: Likely benign. Last evaluated: 2023-08-04. Review status: criteria provided, single submitter. Criteria: ACMG Guidelines, 2015. Collection method: clinical testing. Allele origin: germline.

Ambry Genetics
Classification: Likely benign for Hereditary cancer-predisposing syndrome. Last evaluated: 2014-12-15. Review status: criteria provided, single submitter. Criteria: Ambry Variant Classification Scheme 2023. Collection method: clinical testing. Allele origin: germline.